The following is an entry in ClinVar:

NM_014956.5(CEP164):c.97G>T (p.Ala33Ser)

Gene: CEP164 (centrosomal protein 164; plus strand). Cytogenetic location: 11q23.3.
Variant type: single nucleotide variant.
Coding change: c.97G>T on transcript NM_014956.5 (MANE Select); coding-DNA position 97, G replaced by T.
Protein change: p.Ala33Ser; replaces alanine 33 with serine.
Molecular consequence: missense variant. On other transcripts: 5 prime UTR variant (1).
Genome position (GRCh38, 1-based): chr11:117,344,180, G>T. VCF-style: chr11-117344180-G-T. GRCh37 (hg19) VCF-style: chr11-117214896-G-T.
Other names: c.97G>T, p.Ala33Ser (NM_001271933.2, NM_001440949.1, NM_001440950.1 and 36 more transcripts); c.-42G>T (NM_001440960.1); short protein forms A33S.
Identifiers: ClinVar variation 4997971 (VCV004997971.1).

ClinVar aggregate classification (germline): Uncertain significance (1 of 4 stars; one submission).

Conditions:
CEP164-related disorder. Also called: CEP164-related condition.

Submission:

PreventionGenetics, part of Exact Sciences
Classification: Uncertain significance for CEP164-related condition. Last evaluated: 2025-03-19. Review status: criteria provided, single submitter. Criteria: ACMG Guidelines, 2015. Collection method: clinical testing. Allele origin: germline.
Comment: The CEP164 c.97G>T variant is predicted to result in the amino acid substitution p.Ala33Ser. To our knowledge, this variant has not been reported in the literature or in a large population database (gnomAD), indicating this variant is rare. At this time, the clinical significance of this variant is uncertain due to the absence of conclusive functional and genetic evidence.